The following is an entry in ClinVar:

ClinVar aggregate classification (germline): Uncertain significance (1 of 4 stars; one submission).

Conditions:
Inborn genetic diseases. Identifiers: MedGen C0950123, MeSH D030342.

gnomAD v4.1: 1 of 1,613,902 alleles (0.000062%); highest among the groups gnomAD compares: African/African-American, 0.0013%; no homozygotes.

Submission:

Ambry Genetics
Classification: Uncertain significance for Inborn genetic diseases. Last evaluated: 2026-06-13. Review status: criteria provided, single submitter. Criteria: Ambry Variant Classification Scheme 2023. Collection method: clinical testing. Allele origin: germline.
Comment: The p.T5N variant (also known as c.14C>A), located in coding exon 1 of the SBDS gene, results from a C to A substitution at nucleotide position 14. The threonine at codon 5 is replaced by asparagine, an amino acid with similar properties. This amino acid position is conserved. In addition, the in silico prediction for this alteration is inconclusive. Based on the available evidence, the clinical significance of this variant remains unclear.

NM_016038.4(SBDS):c.14C>A (p.Thr5Asn)

Gene: SBDS (SBDS ribosome maturation factor; minus strand). Cytogenetic location: 7q11.21.
Variant type: single nucleotide variant.
Coding change: c.14C>A on transcript NM_016038.4 (MANE Select); coding-DNA position 14, C replaced by A.
Protein change: p.Thr5Asn; replaces threonine 5 with asparagine.
Molecular consequence: missense variant.
Genome position (GRCh38, 1-based): chr7:66,995,404, G>T on the plus strand (C>A on the coding strand, the complement: SBDS is on the minus strand). VCF-style: chr7-66995404-G-T. GRCh37 (hg19) VCF-style: chr7-66460391-G-T.
Other names: short protein forms T5N.
Identifiers: ClinVar variation 4864074 (VCV004864074.1).